The following is an entry in ClinVar:

ClinVar aggregate classification (germline): Uncertain significance (1 of 4 stars; one submission).

Allele frequency attached by ClinVar (database versions not stated): TOPMed below 0.00001; gnomAD 0.00001; ExAC 0.00003; gnomAD exomes 0.00003.
gnomAD v4.1: 38 of 1,614,088 alleles (0.0024%); highest among the groups gnomAD compares: South Asian, 0.0077%; no homozygotes.

Submission:

Labcorp Genetics (formerly Invitae), Labcorp
Classification: Uncertain significance. Last evaluated: 2021-06-08. Review status: criteria provided, single submitter. Criteria: Invitae Variant Classification Sherloc (09022015). Collection method: clinical testing. Allele origin: germline.
Comment: This sequence change replaces valine with isoleucine at codon 352 of the MAP3K20 protein (p.Val352Ile). The valine residue is moderately conserved and there is a small physicochemical difference between valine and isoleucine. This variant is present in population databases (rs755674436, ExAC 0.01%). This variant has not been reported in the literature in individuals with MAP3K20-related conditions. Experimental studies and prediction algorithms are not available or were not evaluated, and the functional significance of this variant is currently unknown. In summary, the available evidence is currently insufficient to determine the role of this variant in disease. Therefore, it has been classified as a Variant of Uncertain Significance.

NM_016653.3(MAP3K20):c.1054G>A (p.Val352Ile)

Genes: MAP3K20 (mitogen-activated protein kinase kinase kinase 20; plus strand), MAP3K20-AS1 (MAP3K20 antisense RNA 1; minus strand). Cytogenetic location: 2q31.1.
Variant type: single nucleotide variant.
Coding change: c.1054G>A on transcript NM_016653.3 (MANE Select); coding-DNA position 1054, G replaced by A.
Protein change: p.Val352Ile; replaces valine 352 with isoleucine.
Molecular consequence: missense variant.
Genome position (GRCh38, 1-based): chr2:173,232,213, G>A. VCF-style: chr2-173232213-G-A. GRCh37 (hg19) VCF-style: chr2-174096941-G-A.
Other names: short protein forms V352I.
Identifiers: ClinVar variation 1399262 (VCV001399262.3), dbSNP rs755674436, ClinGen allele CA1970721.